The following is an entry in ClinVar:

ClinVar aggregate classification (germline): Uncertain significance. Review status: criteria provided, multiple submitters, no conflicts (2 of 4 stars). 2 submissions from 2 submitters: Uncertain significance (2). Last evaluated 2025-07-17.

Conditions:
DOCK8-related disorder. Also called: DOCK8-related condition.

Allele frequency attached by ClinVar (database versions not stated): gnomAD 0.00002 and 0.00003; gnomAD exomes 0.00004 and 0.00005; TOPMed 0.00006; ExAC 0.00007; ESP Exome Variant Server 0.00008; 1000 Genomes Project 30x 0.00016; 1000 Genomes Project 0.00020.
gnomAD v4.1: 77 of 1,613,170 alleles (0.0048%); highest among the groups gnomAD compares: East Asian, 0.036%; no homozygotes.

Submissions (2):

PreventionGenetics, part of Exact Sciences
Classification: Uncertain significance for DOCK8-related condition. Last evaluated: 2025-07-17. Review status: criteria provided, single submitter. Criteria: ACMG Guidelines, 2015. Collection method: clinical testing. Allele origin: germline.
Comment: The DOCK8 c.1691A>G variant is predicted to result in the amino acid substitution p.Tyr564Cys. To our knowledge, this variant has not been reported in the literature. This variant is reported in 0.010% of alleles in individuals of East Asian descent in gnomAD. At this time, the clinical significance of this variant is uncertain due to the absence of conclusive functional and genetic evidence.

Labcorp Genetics (formerly Invitae), Labcorp
Classification: Uncertain significance for Combined immunodeficiency due to DOCK8 deficiency. Last evaluated: 2025-02-03. Review status: criteria provided, single submitter. Criteria: Invitae Variant Classification Sherloc (09022015). Collection method: clinical testing. Allele origin: germline.
Comment: This sequence change replaces tyrosine, which is neutral and polar, with cysteine, which is neutral and slightly polar, at codon 564 of the DOCK8 protein (p.Tyr564Cys). This variant is present in population databases (rs148440256, gnomAD 0.01%). This variant has not been reported in the literature in individuals affected with DOCK8-related conditions. ClinVar contains an entry for this variant (Variation ID: 1427497). Invitae Evidence Modeling of protein sequence and biophysical properties (such as structural, functional, and spatial information, amino acid conservation, physicochemical variation, residue mobility, and thermodynamic stability) indicates that this missense variant is expected to disrupt DOCK8 protein function with a positive predictive value of 80%. In summary, the available evidence is currently insufficient to determine the role of this variant in disease. Therefore, it has been classified as a Variant of Uncertain Significance.

NM_203447.4(DOCK8):c.1691A>G (p.Tyr564Cys)

Gene: DOCK8 (dedicator of cytokinesis 8; plus strand). Cytogenetic location: 9p24.3.
Variant type: single nucleotide variant.
Coding change: c.1691A>G on transcript NM_203447.4 (MANE Select); coding-DNA position 1691, A replaced by G.
Protein change: p.Tyr564Cys; replaces tyrosine 564 with cysteine.
Molecular consequence: missense variant.
Genome position (GRCh38, 1-based): chr9:368,029, A>G. VCF-style: chr9-368029-A-G. GRCh37 (hg19) VCF-style: chr9-368029-A-G.
Other names: c.1487A>G, p.Tyr496Cys (NM_001190458.2, NM_001193536.2); c.1691A>G (NM_203447.3); short protein forms Y564C, Y496C.
Identifiers: ClinVar variation 1427497 (VCV001427497.5), dbSNP rs148440256, ClinGen allele CA4957860.